The following is an entry in ClinVar:

ClinVar aggregate classification (germline): Uncertain significance (1 of 4 stars; one submission).

Conditions:
RFT1-congenital disorder of glycosylation (CDG1N). Also called: CDG In; Congenital disorder of glycosylation type In; RFT1-CDG. Identifiers: Orphanet 244310, MedGen C2677590, MONDO:0012783, OMIM 612015.

Allele frequency attached by ClinVar (database versions not stated): gnomAD exomes below 0.00001.
gnomAD v4.1: 1 of 1,614,178 alleles (0.000062%); highest among the groups gnomAD compares: Admixed American, 0.0017%; no homozygotes.

Submission:

Labcorp Genetics (formerly Invitae), Labcorp
Classification: Uncertain significance for RFT1-congenital disorder of glycosylation. Last evaluated: 2022-06-03. Review status: criteria provided, single submitter. Criteria: Invitae Variant Classification Sherloc (09022015). Collection method: clinical testing. Allele origin: germline.
Comment: This sequence change affects codon 360 of the RFT1 mRNA. It is a 'silent' change, meaning that it does not change the encoded amino acid sequence of the RFT1 protein. This variant is present in population databases (no rsID available, gnomAD no frequency). This variant has not been reported in the literature in individuals affected with RFT1-related conditions. ClinVar contains an entry for this variant (Variation ID: 1375028). Algorithms developed to predict the effect of sequence changes on RNA splicing suggest that this variant may create or strengthen a splice site. In summary, the available evidence is currently insufficient to determine the role of this variant in disease. Therefore, it has been classified as a Variant of Uncertain Significance.

NM_052859.4(RFT1):c.1080G>T (p.Gly360=)

Gene: RFT1 (RFT1 glycolipid translocator homolog; minus strand). Cytogenetic location: 3p21.1.
Variant type: single nucleotide variant.
Coding change: c.1080G>T on transcript NM_052859.4 (MANE Select); coding-DNA position 1080, G replaced by T.
Protein change: p.Gly360=; no amino-acid change (glycine 360 retained).
Molecular consequence: synonymous variant.
Genome position (GRCh38, 1-based): chr3:53,103,975, C>A on the plus strand (G>T on the coding strand, the complement: RFT1 is on the minus strand). VCF-style: chr3-53103975-C-A. GRCh37 (hg19) VCF-style: chr3-53137991-C-A.
Identifiers: ClinVar variation 1375028 (VCV001375028.3), dbSNP rs1189812930, ClinGen allele CA433793943.